The following is an entry in ClinVar:

NM_001372043.1(PCSK5):c.2626+3511G>A

Gene: PCSK5 (proprotein convertase subtilisin/kexin type 5; plus strand). Cytogenetic location: 9q21.13.
Variant type: single nucleotide variant.
Coding change: c.2626+3511G>A on transcript NM_001372043.1 (MANE Select); 3511 bases into the intron after coding-DNA position 2626, G replaced by A.
Molecular consequence: intron variant. On other transcripts: missense variant (1), non-coding transcript variant (1).
Genome position (GRCh38, 1-based): chr9:76,193,257, G>A. VCF-style: chr9-76193257-G-A. GRCh37 (hg19) VCF-style: chr9-78808173-G-A.
Other names: c.2647G>A, p.Glu883Lys (NM_006200.6); c.2626+3511G>A (NM_001190482.2); short protein forms E883K.
Identifiers: ClinVar variation 4981399 (VCV004981399.1).
Genomic context (GRCh38, chr9:76,193,257, plus strand): 5'-GTCTTCAACTCCCCTTCTCTCTTGCTGACTTCTGGAAAAGCAACGGAAGAGTCCTGGGCG[G>A]AAGGAGGCTTCTGTATGCTTGTGAAAAAGAACAATCTGTGCCAACGGAAGGTTCTTCAAC-3'

ClinVar aggregate classification (germline): Likely benign (1 of 4 stars; one submission).

Conditions:
PCSK5-related disorder. Also called: PCSK5-related condition.

gnomAD v4.1: 1,023 of 1,613,488 alleles (0.063%); highest among the groups gnomAD compares: Admixed American, 0.12%; 1 homozygote.

Submission:

PreventionGenetics, part of Exact Sciences
Classification: Likely benign for PCSK5-related condition. Last evaluated: 2024-12-18. Review status: criteria provided, single submitter. Criteria: ACMG Guidelines, 2015. Collection method: clinical testing. Allele origin: germline.
Comment: This variant is classified as likely benign based on ACMG/AMP sequence variant interpretation guidelines (Richards et al. 2015 PMID: 25741868, with internal and published modifications).